The following is an entry in ClinVar:

NM_001818.5(AKR1C4):c.127G>A (p.Glu43Lys)

Gene: AKR1C4 (aldo-keto reductase family 1 member C4; plus strand). Cytogenetic location: 10p15.1.
Variant type: single nucleotide variant.
Coding change: c.127G>A on transcript NM_001818.5 (MANE Select); coding-DNA position 127, G replaced by A.
Protein change: p.Glu43Lys; replaces glutamic acid 43 with lysine.
Molecular consequence: missense variant.
Genome position (GRCh38, 1-based): chr10:5,200,223, G>A. VCF-style: chr10-5200223-G-A. GRCh37 (hg19) VCF-style: chr10-5242186-G-A.
Other names: short protein forms E43K.
Identifiers: ClinVar variation 3036762 (VCV003036762.4), dbSNP rs375260434, ClinGen allele CA5391287.

ClinVar aggregate classification (germline): Uncertain significance. Review status: criteria provided, multiple submitters, no conflicts (2 of 4 stars). 3 submissions from 3 submitters: Uncertain significance (2). 1 of the submissions does not count toward it. Last evaluated 2025-09-16.

Conditions:
AKR1C4-related disorder. Also called: AKR1C4-related condition.

Allele frequency attached by ClinVar (database versions not stated): gnomAD exomes 0.00004; ExAC 0.00015; gnomAD 0.00019; ESP Exome Variant Server 0.00023; TOPMed 0.00023; 1000 Genomes Project 0.00040; 1000 Genomes Project 30x 0.00047.

Submissions (3):

Labcorp Genetics (formerly Invitae), Labcorp
Classification: Uncertain significance. Last evaluated: 2025-09-16. Review status: criteria provided, single submitter. Criteria: Invitae Variant Classification Sherloc (09022015). Collection method: clinical testing. Allele origin: germline.
Comment: This sequence change replaces glutamic acid, which is acidic and polar, with lysine, which is basic and polar, at codon 43 of the AKR1C4 protein (p.Glu43Lys). This variant is present in population databases (rs375260434, gnomAD 0.06%), and has an allele count higher than expected for a pathogenic variant. This variant has not been reported in the literature in individuals affected with AKR1C4-related conditions. ClinVar contains an entry for this variant (Variation ID: 3036762). Invitae Evidence Modeling of protein sequence and biophysical properties (such as structural, functional, and spatial information, amino acid conservation, physicochemical variation, residue mobility, and thermodynamic stability) indicates that this missense variant is not expected to disrupt AKR1C4 protein function with a negative predictive value of 80%. In summary, the available evidence is currently insufficient to determine the role of this variant in disease. Therefore, it has been classified as a Variant of Uncertain Significance.

Ambry Genetics
Classification: Uncertain significance. Last evaluated: 2025-08-29. Review status: criteria provided, single submitter. Criteria: Ambry Variant Classification Scheme 2023. Collection method: clinical testing. Allele origin: germline.

PreventionGenetics, part of Exact Sciences
Classification: Uncertain significance for AKR1C4-related condition. Last evaluated: 2023-12-26. Review status: no assertion criteria provided. Collection method: clinical testing. Allele origin: germline. Not counted in ClinVar's aggregate classification.
Comment: The AKR1C4 c.127G>A variant is predicted to result in the amino acid substitution p.Glu43Lys. To our knowledge, this variant has not been reported in the literature. This variant is reported in 0.056% of alleles in individuals of African descent in gnomAD. This variant is not reported in the ClinVar database. At this time, the clinical significance of this variant is uncertain due to the absence of conclusive functional and genetic evidence.